The following is an entry in ClinVar:

NM_004260.4(RECQL4):c.2108T>A (p.Ile703Asn)

Gene: RECQL4 (RecQ like helicase 4; minus strand). Cytogenetic location: 8q24.3.
Variant type: single nucleotide variant.
Coding change: c.2108T>A on transcript NM_004260.4 (MANE Select); coding-DNA position 2108, T replaced by A.
Protein change: p.Ile703Asn; replaces isoleucine 703 with asparagine.
Molecular consequence: missense variant.
Genome position (GRCh38, 1-based): chr8:144,513,663, A>T on the plus strand (T>A on the coding strand, the complement: RECQL4 is on the minus strand). VCF-style: chr8-144513663-A-T. GRCh37 (hg19) VCF-style: chr8-145739047-A-T.
Other names: short protein forms I703N.
Identifiers: ClinVar variation 1379504 (VCV001379504.6), dbSNP rs2130684034, ClinGen allele CA372679922.
Genomic context (GRCh38, chr8:144,513,663, plus strand): 5'-CAGGTTCGGAGGAGCGCAGCGATCCGCTCTGTGTCCTCGCGCCGGTTGCAGTAAATGATA[A>T]TGGAATCGAGGTTTTGAAAACGTTTGCCTTGCAGCAGCGTCAACAGTGCCTGATGAGGAG-3'
Protein context (NP_004251.4, residues 693-713): QGKRFQNLDS[Ile703Asn]IIYCNRREDT

ClinVar aggregate classification (germline): Uncertain significance (1 of 4 stars; one submission).

Conditions:
Baller-Gerold syndrome (BGS). Also called: CRANIOSYNOSTOSIS WITH RADIAL DEFECTS. Identifiers: Orphanet 1225, MedGen C0265308, MONDO:0009039, OMIM 218600.

Submission:

Labcorp Genetics (formerly Invitae), Labcorp
Classification: Uncertain significance for Baller-Gerold syndrome. Last evaluated: 2021-09-04. Review status: criteria provided, single submitter. Criteria: Invitae Variant Classification Sherloc (09022015). Collection method: clinical testing. Allele origin: germline.
Comment: This sequence change replaces isoleucine with asparagine at codon 703 of the RECQL4 protein (p.Ile703Asn). The isoleucine residue is moderately conserved and there is a large physicochemical difference between isoleucine and asparagine. This variant is not present in population databases (ExAC no frequency). This variant has not been reported in the literature in individuals affected with RECQL4-related conditions. Experimental studies and prediction algorithms are not available or were not evaluated, and the functional significance of this variant is currently unknown. In summary, the available evidence is currently insufficient to determine the role of this variant in disease. Therefore, it has been classified as a Variant of Uncertain Significance.